The following is an entry in ClinVar:

NM_001394062.1(MACF1):c.21047G>A (p.Arg7016Gln)

Gene: MACF1 (microtubule actin crosslinking factor 1; plus strand). Cytogenetic location: 1p34.3.
Variant type: single nucleotide variant.
Coding change: c.21047G>A on transcript NM_001394062.1 (MANE Select); coding-DNA position 21047, G replaced by A.
Protein change: p.Arg7016Gln; replaces arginine 7016 with glutamine.
Molecular consequence: missense variant.
Genome position (GRCh38, 1-based): chr1:39,455,069, G>A. VCF-style: chr1-39455069-G-A. GRCh37 (hg19) VCF-style: chr1-39920741-G-A.
Other names: c.9125G>A, p.Arg3042Gln (NM_001397473.1); c.14870G>A, p.Arg4957Gln (NM_012090.5); short protein forms R4957Q, R3042Q, R7016Q.
Identifiers: ClinVar variation 4624084 (VCV004624084.2).

ClinVar aggregate classification (germline): Conflicting classifications of pathogenicity. Review status: criteria provided, conflicting classifications (1 of 4 stars). 2 submissions from 2 submitters: Uncertain significance (1); Likely benign (1). Last evaluated 2026-01-27.

Conditions:
Inborn genetic diseases. Identifiers: MedGen C0950123, MeSH D030342.

gnomAD v4.1: 16 of 1,613,936 alleles (0.00099%); highest among the groups gnomAD compares: Admixed American, 0.012%; no homozygotes.

Submissions (2):

Labcorp Genetics (formerly Invitae), Labcorp
Classification: Uncertain significance. Last evaluated: 2026-01-27. Review status: criteria provided, single submitter. Criteria: Invitae Variant Classification Sherloc (09022015). Collection method: clinical testing. Allele origin: germline.
Comment: This sequence change replaces arginine, which is basic and polar, with glutamine, which is neutral and polar, at codon 4957 of the MACF1 protein (p.Arg4957Gln). This variant is present in population databases (rs756134944, gnomAD 0.009%). This variant has not been reported in the literature in individuals affected with MACF1-related conditions. An algorithm developed to predict the effect of missense changes on protein structure and function (PolyPhen-2) suggests that this variant is likely to be tolerated. In summary, the available evidence is currently insufficient to determine the role of this variant in disease. Therefore, it has been classified as a Variant of Uncertain Significance.

Ambry Genetics
Classification: Likely benign for Inborn genetic diseases. Last evaluated: 2025-11-02. Review status: criteria provided, single submitter. Criteria: Ambry Variant Classification Scheme 2023. Collection method: clinical testing. Allele origin: germline.